The following is an entry in ClinVar:

NM_002693.3(POLG):c.3080A>T (p.Lys1027Met)

Genes: POLG (DNA polymerase gamma, catalytic subunit; minus strand), POLGARF (POLG alternative reading frame; minus strand). Cytogenetic location: 15q26.1.
Variant type: single nucleotide variant.
Coding change: c.3080A>T on transcript NM_002693.3 (MANE Select); coding-DNA position 3080, A replaced by T.
Protein change: p.Lys1027Met; replaces lysine 1027 with methionine.
Molecular consequence: missense variant.
Genome position (GRCh38, 1-based): chr15:89,319,252, T>A on the plus strand (A>T on the coding strand, the complement: POLG is on the minus strand). VCF-style: chr15-89319252-T-A. GRCh37 (hg19) VCF-style: chr15-89862483-T-A.
Other names: c.3080A>T, p.Lys1027Met (NM_001126131.2); short protein forms K1027M.
Identifiers: ClinVar variation 1695631 (VCV001695631.2), dbSNP rs2055358434, ClinGen allele CA393751296.

ClinVar aggregate classification (germline): Uncertain significance (1 of 4 stars; one submission).

Submission:

GeneDx
Classification: Uncertain significance. Last evaluated: 2022-01-06. Review status: criteria provided, single submitter. Criteria: GeneDx Variant Classification Process June 2021. Collection method: clinical testing. Allele origin: germline. Affected: yes.
Comment: Not observed at significant frequency in large population cohorts (gnomAD); In silico analysis supports that this missense variant does not alter protein structure/function; Has not been previously published as pathogenic or benign to our knowledge